The following is an entry in ClinVar:

NM_006767.4(LZTR1):c.290G>A (p.Arg97Gln)

Gene: LZTR1 (leucine zipper like post translational regulator 1; plus strand). Cytogenetic location: 22q11.21.
Variant type: single nucleotide variant.
Coding change: c.290G>A on transcript NM_006767.4 (MANE Select); coding-DNA position 290, G replaced by A.
Protein change: p.Arg97Gln; replaces arginine 97 with glutamine.
Molecular consequence: missense variant.
Genome position (GRCh38, 1-based): chr22:20,985,867, G>A. VCF-style: chr22-20985867-G-A. GRCh37 (hg19) VCF-style: chr22-21340156-G-A.
Other names: short protein forms R97Q.
Identifiers: ClinVar variation 1188709 (VCV001188709.12), dbSNP rs1327974340, ClinGen allele CA410778839.

ClinVar aggregate classification (germline): Uncertain significance. Review status: criteria provided, multiple submitters, no conflicts (2 of 4 stars). 3 submissions from 3 submitters: Uncertain significance (3). Last evaluated 2026-01-16.

Conditions:
Hereditary cancer-predisposing syndrome. Also called: Hereditary neoplastic syndrome; Tumor predisposition; Neoplastic Syndromes, Hereditary; Hereditary Cancer Syndrome. Identifiers: Orphanet 140162, MedGen C0027672, MeSH D009386, MONDO:0015356.
Cardiovascular phenotype. Identifiers: MedGen CN230736.

Allele frequency attached by ClinVar (database versions not stated): gnomAD exomes below 0.00001; TOPMed below 0.00001.
gnomAD v4.1: 5 of 1,614,110 alleles (0.00031%); highest among the groups gnomAD compares: South Asian, 0.0011%; no homozygotes.

Submissions (3):

Labcorp Genetics (formerly Invitae), Labcorp
Classification: Uncertain significance. Last evaluated: 2026-01-16. Review status: criteria provided, single submitter. Criteria: Invitae Variant Classification Sherloc (09022015). Collection method: clinical testing. Allele origin: germline.
Comment: This sequence change replaces arginine, which is basic and polar, with glutamine, which is neutral and polar, at codon 97 of the LZTR1 protein (p.Arg97Gln). This variant is not present in population databases (gnomAD no frequency). This variant has not been reported in the literature in individuals affected with LZTR1-related conditions. ClinVar contains an entry for this variant (Variation ID: 1188709). Invitae Evidence Modeling of protein sequence and biophysical properties (such as structural, functional, and spatial information, amino acid conservation, physicochemical variation, residue mobility, and thermodynamic stability) indicates that this missense variant is not expected to disrupt LZTR1 protein function with a negative predictive value of 80%. This variant disrupts the p.Arg97 amino acid residue in LZTR1. Other variant(s) that disrupt this residue have been determined to be pathogenic (PMID: 30859559). This suggests that this residue is clinically significant, and that variants that disrupt this residue are likely to be disease-causing. In summary, the available evidence is currently insufficient to determine the role of this variant in disease. Therefore, it has been classified as a Variant of Uncertain Significance.

Ambry Genetics
Classification: Uncertain significance for Cardiovascular phenotype; Hereditary cancer-predisposing syndrome. Last evaluated: 2024-11-12. Review status: criteria provided, single submitter. Criteria: Ambry Variant Classification Scheme 2023. Collection method: clinical testing. Allele origin: germline.
Comment: The p.R97Q variant (also known as c.290G>A), located in coding exon 3 of the LZTR1 gene, results from a G to A substitution at nucleotide position 290. The arginine at codon 97 is replaced by glutamine, an amino acid with highly similar properties. This amino acid position is highly conserved in available vertebrate species. In addition, the in silico prediction for this alteration is inconclusive. Based on the available evidence, the clinical significance of this variant remains unclear.

GeneDx
Classification: Uncertain significance. Last evaluated: 2024-06-24. Review status: criteria provided, single submitter. Criteria: GeneDx Variant Classification Process June 2021. Collection method: clinical testing. Allele origin: germline. Affected: yes.
Comment: Not observed at significant frequency in large population cohorts (gnomAD); In silico analysis supports that this missense variant has a deleterious effect on protein structure/function; Has not been previously published as pathogenic or benign to our knowledge; This variant is associated with the following publications: (PMID: 30859559)

Literature cited by the submitters: PubMed 30859559 (cited by Labcorp Genetics (formerly Invitae), Labcorp).